The following is an entry in ClinVar:

ClinVar aggregate classification (germline): Likely pathogenic (1 of 4 stars; one submission).

Conditions:
Nemaline myopathy 2 (NEM2). Also called: Nemaline myopathy 2, autosomal recessive. Identifiers: MedGen C1850569, MONDO:0009725, OMIM 256030.

Submission:

Myriad Genetics, Inc.
Classification: Likely pathogenic for Nemaline myopathy 2. Last evaluated: 2022-02-19. Review status: criteria provided, single submitter. Criteria: Myriad Women's Health Autosomal Recessive and X-Linked Classification Criteria (2021). Collection method: clinical testing. Allele origin: unknown.
Comment: NM_001271208.1(NEB):c.5664delC(T1889Pfs*8) is expected to be pathogenic in the context of NEB-related nemaline myopathy. This variant is predicted to lead to an abnormal or absent protein product due to the creation of a premature termination codon in NEB, a gene where loss-of-function variants are known to be pathogenic. Please note: this variant was assessed in the context of healthy population screening.

NM_001164508.2(NEB):c.5664del (p.Thr1889fs)

Gene: NEB (nebulin; minus strand). Cytogenetic location: 2q23.3.
Variant type: Deletion.
Coding change: c.5664del on transcript NM_001164508.2 (MANE Select); coding-DNA position 5664, one base deleted (C; older notation c.5664delC).
Protein change: p.Thr1889fs; shifts the reading frame from threonine 1889.
Molecular consequence: frameshift variant.
Genome position (GRCh38, 1-based): chr2:151,663,647, G deleted on the plus strand (C on the coding strand, the reverse complement: NEB is on the minus strand); the first of 2 consecutive G bases (chr2:151,663,647-151,663,648); deleting either gives the same sequence. VCF-style (leftmost placement, unchanged base first): chr2-151663646-TG-T. GRCh37 (hg19) VCF-style: chr2-152520160-TG-T.
Other names: c.5664del, p.Thr1889fs (NM_001164507.2, NM_001271208.2, NM_004543.5); short protein forms T1889fs.
Identifiers: ClinVar variation 1724521 (VCV001724521.2), dbSNP rs2552256160, ClinGen allele CA2580064060.
Genomic context (GRCh38, chr2:151,663,646, plus strand): 5'-AGCTCATGGCATCAGGAAGCATGTTGTAGGTATGGATCACGTTCCTGTAGTTGGCATTGG[TG>T]GCCACTTCCTGAGACTTCTTGGCTGCCACCACACTGAGCATGTCCACCGGGGTGTGGAAG-3'